The following is an entry in ClinVar:

NM_000169.3(GLA):c.243G>T (p.Trp81Cys)

Genes: GLA (galactosidase alpha; minus strand), RPL36A-HNRNPH2 (RPL36A-HNRNPH2 readthrough; plus strand). Cytogenetic location: Xq22.1.
Variant type: single nucleotide variant.
Coding change: c.243G>T on transcript NM_000169.3 (MANE Select); coding-DNA position 243, G replaced by T.
Protein change: p.Trp81Cys; replaces tryptophan 81 with cysteine.
Molecular consequence: missense variant. On other transcripts: non-coding transcript variant (3), intron variant (2).
Genome position (GRCh38, 1-based): chrX:101,403,937, C>A on the plus strand (G>T on the coding strand, the complement: GLA is on the minus strand). VCF-style: chrX-101403937-C-A. GRCh37 (hg19) VCF-style: chrX-100658925-C-A.
Other names: c.366G>T, p.Trp122Cys (NM_001406747.1, NM_001406749.1); c.243G>T, p.Trp81Cys (NM_001406748.1); c.301-7999C>A (NM_001199973.2); c.178-7999C>A (NM_001199974.2); short protein forms W122C, W81C.
Identifiers: ClinVar variation 4087312 (VCV004087312.2).

ClinVar aggregate classification (germline): Likely pathogenic (1 of 4 stars; one submission).

Conditions:
Fabry disease. Also called: ALPHA-GALACTOSIDASE A DEFICIENCY; ANDERSON-FABRY DISEASE; CERAMIDE TRIHEXOSIDASE DEFICIENCY; GLA DEFICIENCY; HEREDITARY DYSTOPIC LIPIDOSIS; Angiokeratoma corporis diffusum. Identifiers: Orphanet 324, MedGen C0002986, MONDO:0010526, OMIM 301500, HP:0001071. Disease mechanism: Fabry disease is due to inactivating mutations in the X-linked GLA gene resulting in deficiency of the enzyme Alpha Galactosidase-A., loss of function.

Submission:

Genomenon, Inc
Classification: Likely pathogenic for Fabry disease. Last evaluated: 2026-09-08. Review status: criteria provided, single submitter. Criteria: Genomenon Sequence Variant Interpretation Standards - Updated. Collection method: curation. Allele origin: germline. Affected: no.
Comment: GLA p.Trp81Cys (c.243G>T) is a missense variant that changes the amino acid at codon 81 from Tryptophan to Cysteine. To our knowledge, this variant has not been reported in patients affected with Fabry disease in the published literature. At least one functional study has demonstrated a substantial alteration in protein function relative to the wild-type (PMID:27657681). It is absent or not present at a significant frequency in gnomAD. In silico models predict that this variant is possibly or probably damaging. In conclusion, we classify GLA p.Trp81Cys (c.243G>T) as a likely pathogenic variant.

Literature cited by the submitters: PubMed 27657681.